The following is an entry in ClinVar:

NM_006206.6(PDGFRA):c.2903A>T (p.Asp968Val)

Gene: PDGFRA (platelet derived growth factor receptor alpha; plus strand). Cytogenetic location: 4q12.
Variant type: single nucleotide variant.
Coding change: c.2903A>T on transcript NM_006206.6 (MANE Select); coding-DNA position 2903, A replaced by T.
Protein change: p.Asp968Val; replaces aspartic acid 968 with valine.
Molecular consequence: missense variant.
Genome position (GRCh38, 1-based): chr4:54,290,335, A>T. VCF-style: chr4-54290335-A-T. GRCh37 (hg19) VCF-style: chr4-55156502-A-T.
Other names: c.2978A>T, p.Asp993Val (NM_001347828.2); c.2903A>T, p.Asp968Val (NM_001347829.2); c.2942A>T, p.Asp981Val (NM_001347830.2); short protein forms D993V, D968V, D981V.
Identifiers: ClinVar variation 5026380 (VCV005026380.1).

ClinVar aggregate classification (germline): Uncertain significance (1 of 4 stars; one submission).

Conditions:
Hereditary cancer-predisposing syndrome. Also called: Neoplastic Syndromes, Hereditary; Tumor predisposition; Hereditary neoplastic syndrome; Hereditary Cancer Syndrome. Identifiers: Orphanet 140162, MedGen C0027672, MeSH D009386, MONDO:0015356.

Submission:

Ambry Genetics
Classification: Uncertain significance for Hereditary cancer-predisposing syndrome. Last evaluated: 2026-08-11. Review status: criteria provided, single submitter. Criteria: Ambry Variant Classification Scheme 2023. Collection method: clinical testing. Allele origin: germline.
Comment: The p.D968V variant (also known as c.2903A>T), located in coding exon 21 of the PDGFRA gene, results from an A to T substitution at nucleotide position 2903. The aspartic acid at codon 968 is replaced by valine, an amino acid with highly dissimilar properties. This amino acid position is conserved. In addition, the in silico prediction for this alteration is inconclusive. Based on the available evidence, the clinical significance of this variant remains unclear.